The following is an entry in ClinVar:

ClinVar aggregate classification (germline): Likely benign. Review status: criteria provided, multiple submitters, no conflicts (2 of 4 stars). 2 submissions from 2 submitters: Likely benign (2). Last evaluated 2023-10-22.

Conditions:
Nemaline myopathy 2 (NEM2). Also called: Nemaline myopathy 2, autosomal recessive. Identifiers: MedGen C1850569, MONDO:0009725, OMIM 256030.

Submissions (2):

Labcorp Genetics (formerly Invitae), Labcorp
Classification: Likely benign for Nemaline myopathy 2. Last evaluated: 2023-10-22. Review status: criteria provided, single submitter. Criteria: Invitae Variant Classification Sherloc (09022015). Collection method: clinical testing. Allele origin: germline.

GeneDx
Classification: Likely benign. Last evaluated: 2017-11-30. Review status: criteria provided, single submitter. Criteria: GeneDx Variant Classification (06012015). Collection method: clinical testing. Allele origin: germline. Affected: yes.
Comment: This variant is considered likely benign or benign based on one or more of the following criteria: it is a conservative change, it occurs at a poorly conserved position in the protein, it is predicted to be benign by multiple in silico algorithms, and/or has population frequency not consistent with disease.

NM_001164508.2(NEB):c.21945+13T>C

Genes: NEB (nebulin; minus strand), RIF1 (replication timing regulatory factor 1; plus strand). Cytogenetic location: 2q23.3.
Variant type: single nucleotide variant.
Coding change: c.21945+13T>C on transcript NM_001164508.2 (MANE Select); 13 bases into the intron after coding-DNA position 21945, T replaced by C.
Molecular consequence: intron variant.
Genome position (GRCh38, 1-based): chr2:151,526,905, A>G on the plus strand (T>C on the coding strand, the complement: NEB is on the minus strand). VCF-style: chr2-151526905-A-G. GRCh37 (hg19) VCF-style: chr2-152383419-A-G.
Other names: c.16842+13T>C (NM_004543.5); c.21945+13T>C (NM_001164507.2); c.22050+13T>C (NM_001271208.2).
Identifiers: ClinVar variation 513707 (VCV000513707.4), dbSNP rs1553649614, ClinGen allele CA658795868.
Genomic context (GRCh38, chr2:151,526,905, plus strand): 5'-TGTCCCTGGGGACTGTACCATGGAAGATGGCCCTGAGTGAGGTTAGGCATCATGGAAGGA[A>G]CTAGGTACTTACATCACTTTCTATTAAAGTATTCCTGAGGGCGAGCACCGTGTTTTTGTC-3'